The following is an entry in ClinVar:

NM_080605.4(B3GALT6):c.324C>A (p.Ala108=)

Gene: B3GALT6 (beta-1,3-galactosyltransferase 6; plus strand). Cytogenetic location: 1p36.33.
Variant type: single nucleotide variant.
Coding change: c.324C>A on transcript NM_080605.4 (MANE Select); coding-DNA position 324, C replaced by A.
Protein change: p.Ala108=; no amino-acid change (alanine 108 retained).
Molecular consequence: synonymous variant.
Genome position (GRCh38, 1-based): chr1:1,232,602, C>A. VCF-style: chr1-1232602-C-A. GRCh37 (hg19) VCF-style: chr1-1167982-C-A.
Other names: p.Ala108=; c.324C>A (NM_080605.3).
Identifiers: ClinVar variation 1454440 (VCV001454440.13), dbSNP rs764859016, ClinGen allele CA513315.
Genomic context (GRCh38, chr1:1,232,602, plus strand): 5'-CGACGTGTGGGCGCGCTTTGCCGTGGGCACGGCCGGCCTGGGCGCCGAGGAGCGGCGCGC[C>A]CTGGAGCGGGAGCAGGCGCGGCACGGGGACCTGCTGCTGCTGCCCGCGCTGCGCGACGCC-3'
Protein context (NP_542172.2, residues 98-118): TAGLGAEERR[Ala108=]LEREQARHGD

ClinVar aggregate classification (germline): Likely benign. Review status: criteria provided, multiple submitters, no conflicts (2 of 4 stars). 4 submissions from 4 submitters: Likely benign (3). 1 of the submissions does not count toward it. Last evaluated 2026-01-11.

Conditions:
Ehlers-Danlos syndrome, spondylodysplastic type, 2 (EDSSPD2). Also called: Ehlers-Danlos syndrome, progeroid type, 2. Identifiers: Orphanet 536467, Orphanet 75496, MedGen C3809210, MONDO:0014139, OMIM 615349.
Spondyloepimetaphyseal dysplasia with joint laxity (SEMDJL). Identifiers: MedGen C0432243, MONDO:0019675.
B3GALT6-related disorder. Also called: B3GALT6-related condition.

Allele frequency attached by ClinVar (database versions not stated): gnomAD exomes 0.00012; ExAC 0.00071; TOPMed 0.00006; gnomAD 0.00009.

Submissions (4):

Labcorp Genetics (formerly Invitae), Labcorp
Classification: Likely benign for Ehlers-Danlos syndrome, spondylodysplastic type, 2; Spondyloepimetaphyseal dysplasia with joint laxity. Last evaluated: 2026-01-11. Review status: criteria provided, single submitter. Criteria: Invitae Variant Classification Sherloc (09022015). Collection method: clinical testing. Allele origin: germline.

Mayo Clinic Laboratories, Mayo Clinic
Classification: Likely benign. Last evaluated: 2025-03-24. Review status: criteria provided, single submitter. Criteria: ACMG Guidelines, 2015. Collection method: clinical testing. Allele origin: germline. Observed: 1 variant allele.
Comment: BP4, BP7

Women's Health and Genetics/Laboratory Corporation of America, LabCorp
Classification: Likely benign. Last evaluated: 2025-01-27. Review status: criteria provided, single submitter. Criteria: LabCorp Variant Classification Summary - May 2015. Collection method: clinical testing. Allele origin: germline.

PreventionGenetics, part of Exact Sciences
Classification: Likely benign for B3GALT6-related condition. Last evaluated: 2020-11-25. Review status: no assertion criteria provided. Collection method: clinical testing. Allele origin: germline. Not counted in ClinVar's aggregate classification.
Comment: This variant is classified as likely benign based on ACMG/AMP sequence variant interpretation guidelines (Richards et al. 2015 PMID: 25741868, with internal and published modifications).